The following is an entry in ClinVar:

NM_004360.5(CDH1):c.151G>T (p.Val51Phe)

Gene: CDH1 (cadherin 1; plus strand). Cytogenetic location: 16q22.1.
Variant type: single nucleotide variant.
Coding change: c.151G>T on transcript NM_004360.5 (MANE Select); coding-DNA position 151, G replaced by T.
Protein change: p.Val51Phe; replaces valine 51 with phenylalanine.
Molecular consequence: missense variant. On other transcripts: 5 prime UTR variant (2).
Genome position (GRCh38, 1-based): chr16:68,738,399, G>T. VCF-style: chr16-68738399-G-T. GRCh37 (hg19) VCF-style: chr16-68772302-G-T.
Other names: c.151G>T, p.Val51Phe (NM_001317184.2); c.-1465G>T (NM_001317185.2); c.-1669G>T (NM_001317186.2); short protein forms V51F.
Identifiers: ClinVar variation 4632402 (VCV004632402.1).

ClinVar aggregate classification (germline): Uncertain significance (1 of 4 stars; one submission).

Conditions:
Hereditary cancer-predisposing syndrome. Also called: Neoplastic Syndromes, Hereditary; Tumor predisposition; Hereditary Cancer Syndrome; Hereditary neoplastic syndrome. Identifiers: Orphanet 140162, MedGen C0027672, MeSH D009386, MONDO:0015356.

Submission:

Ambry Genetics
Classification: Uncertain significance for Hereditary cancer-predisposing syndrome. Last evaluated: 2025-09-19. Review status: criteria provided, single submitter. Criteria: Ambry Variant Classification Scheme 2023. Collection method: clinical testing. Allele origin: germline.
Comment: The p.V51F variant (also known as c.151G>T), located in coding exon 2 of the CDH1 gene, results from a G to T substitution at nucleotide position 151. The valine at codon 51 is replaced by phenylalanine, an amino acid with highly similar properties. This amino acid position is conserved. In addition, this alteration is predicted to be tolerated by in silico analysis. Based on the available evidence, the clinical significance of this variant remains unclear.